The following is an entry in ClinVar:

ClinVar aggregate classification (germline): Uncertain significance. Review status: criteria provided, multiple submitters, no conflicts (2 of 4 stars). 3 submissions from 3 submitters: Uncertain significance (3). Last evaluated 2024-12-19.

Conditions:
KMT2B-related disorder. Also called: KMT2B-related condition; KMT2B-related disorders. Identifiers: MedGen CN381338.

gnomAD v4.1: 2 of 1,609,508 alleles (0.00012%); highest among the groups gnomAD compares: East Asian, 0.0022%; no homozygotes.

Submissions (3):

PreventionGenetics, part of Exact Sciences
Classification: Uncertain significance for KMT2B-related condition. Last evaluated: 2024-12-19. Review status: criteria provided, single submitter. Criteria: ACMG Guidelines, 2015. Collection method: clinical testing. Allele origin: germline.
Comment: The KMT2B c.6310C>T variant is predicted to result in the amino acid substitution p.Arg2104Trp. To our knowledge, this variant has not been reported in the literature or in gnomAD, indicating that this variant is rare. At this time, the clinical significance of this variant is uncertain due to the absence of conclusive functional and genetic evidence.

Labcorp Genetics (formerly Invitae), Labcorp
Classification: Uncertain significance. Last evaluated: 2023-04-29. Review status: criteria provided, single submitter. Criteria: Invitae Variant Classification Sherloc (09022015). Collection method: clinical testing. Allele origin: germline.
Comment: In summary, the available evidence is currently insufficient to determine the role of this variant in disease. Therefore, it has been classified as a Variant of Uncertain Significance. Advanced modeling of protein sequence and biophysical properties (such as structural, functional, and spatial information, amino acid conservation, physicochemical variation, residue mobility, and thermodynamic stability) performed at Invitae indicates that this missense variant is not expected to disrupt KMT2B protein function. ClinVar contains an entry for this variant (Variation ID: 808523). This variant has not been reported in the literature in individuals affected with KMT2B-related conditions. This variant is not present in population databases (gnomAD no frequency). This sequence change replaces arginine, which is basic and polar, with tryptophan, which is neutral and slightly polar, at codon 2104 of the KMT2B protein (p.Arg2104Trp).

CeGaT Center for Human Genetics Tuebingen
Classification: Uncertain significance. Last evaluated: 2018-10-01. Review status: criteria provided, single submitter. Criteria: CeGaT Center For Human Genetics Tuebingen Variant Classification Criteria Version 2. Collection method: clinical testing. Allele origin: germline. Affected: yes. Observed: 2 variant alleles.

NM_014727.3(KMT2B):c.6310C>T (p.Arg2104Trp)

Gene: KMT2B (lysine methyltransferase 2B; plus strand). Cytogenetic location: 19q13.12.
Variant type: single nucleotide variant.
Coding change: c.6310C>T on transcript NM_014727.3 (MANE Select); coding-DNA position 6310, C replaced by T.
Protein change: p.Arg2104Trp; replaces arginine 2104 with tryptophan.
Molecular consequence: missense variant.
Genome position (GRCh38, 1-based): chr19:35,732,859, C>T. VCF-style: chr19-35732859-C-T. GRCh37 (hg19) VCF-style: chr19-36223760-C-T.
Other names: c.6310C>T (NM_014727.2); short protein forms R2104W.
Identifiers: ClinVar variation 808523 (VCV000808523.46), dbSNP rs1165953081, ClinGen allele CA405427693.